The following is an entry in ClinVar:

ClinVar aggregate classification (germline): Uncertain significance (1 of 4 stars; one submission).

Submission:

GeneDx
Classification: Uncertain significance. Last evaluated: 2019-07-29. Review status: criteria provided, single submitter. Criteria: GeneDx Variant Classification Process June 2021. Collection method: clinical testing. Allele origin: germline. Affected: yes.
Comment: Not observed in large population cohorts (Lek et al., 2016); In silico analysis, which includes protein predictors and evolutionary conservation, supports a deleterious effect; Has not been previously published as pathogenic or benign to our knowledge

NM_001379029.1(CERT1):c.728G>A (p.Gly243Glu)

Gene: CERT1 (ceramide transporter 1; minus strand). Cytogenetic location: 5q13.3.
Variant type: single nucleotide variant.
Coding change: c.728G>A on transcript NM_001379029.1 (MANE Select); coding-DNA position 728, G replaced by A.
Protein change: p.Gly243Glu; replaces glycine 243 with glutamic acid.
Molecular consequence: missense variant.
Genome position (GRCh38, 1-based): chr5:75,416,985, C>T on the plus strand (G>A on the coding strand, the complement: CERT1 is on the minus strand). VCF-style: chr5-75416985-C-T. GRCh37 (hg19) VCF-style: chr5-74712810-C-T.
Other names: c.1112G>A, p.Gly371Glu (NM_001130105.1); c.728G>A, p.Gly243Glu (NM_001379002.1, NM_001379003.1, NM_001379004.1 and 2 more transcripts); short protein forms G243E, G371E.
Identifiers: ClinVar variation 1306988 (VCV001306988.2), dbSNP rs2112150100, ClinGen allele CA360131837.
Genomic context (GRCh38, chr5:75,416,985, plus strand): 5'-ATACAATGAGAAAGTGTTGCAAGGATTCCAGCAGTAGTTGCTTTAAAAGTTATCGCTTCC[C>T]CTTTAAAGTCTATACCATTAATTCCTTTTGGTGTCACATGTGGAAATACTGAAAATGAAA-3'
Protein context (NP_001365958.1, residues 233-253): PKGINGIDFK[Gly243Glu]EAITFKATTA